The following is an entry in ClinVar:

NM_152703.5(SAMD9L):c.2435A>G (p.Tyr812Cys)

Gene: SAMD9L (sterile alpha motif domain containing 9 like; minus strand). Cytogenetic location: 7q21.2.
Variant type: single nucleotide variant.
Coding change: c.2435A>G on transcript NM_152703.5 (MANE Select); coding-DNA position 2435, A replaced by G.
Protein change: p.Tyr812Cys; replaces tyrosine 812 with cysteine.
Molecular consequence: missense variant.
Genome position (GRCh38, 1-based): chr7:93,133,537, T>C on the plus strand (A>G on the coding strand, the complement: SAMD9L is on the minus strand). VCF-style: chr7-93133537-T-C. GRCh37 (hg19) VCF-style: chr7-92762850-T-C.
Other names: c.2435A>G, p.Tyr812Cys (NM_001303496.3, NM_001303497.3, NM_001303498.3 and 5 more transcripts); short protein forms Y812C.
Identifiers: ClinVar variation 4159309 (VCV004159309.1).

ClinVar aggregate classification (germline): Uncertain significance (1 of 4 stars; one submission).

Conditions:
Inborn genetic diseases. Identifiers: MedGen C0950123, MeSH D030342.

gnomAD v4.1: 5 of 1,613,676 alleles (0.00031%); highest among the groups gnomAD compares: Non-Finnish European, 0.00042%; no homozygotes.

Submission:

Ambry Genetics
Classification: Uncertain significance for Inborn genetic diseases. Last evaluated: 2025-07-07. Review status: criteria provided, single submitter. Criteria: Ambry Variant Classification Scheme 2023. Collection method: clinical testing. Allele origin: germline.
Comment: The p.Y812C variant (also known as c.2435A>G), located in coding exon 1 of the SAMD9L gene, results from an A to G substitution at nucleotide position 2435. The tyrosine at codon 812 is replaced by cysteine, an amino acid with highly dissimilar properties. This amino acid position is conserved. In addition, this alteration is predicted to be tolerated by in silico analysis. Based on the available evidence, the clinical significance of this variant remains unclear.